The following is an entry in ClinVar:

ClinVar aggregate classification (germline): Uncertain significance (1 of 4 stars; one submission).

Conditions:
Autosomal dominant nonsyndromic hearing loss 1. Also called: KONIGSMARK SYNDROME; DEAFNESS, AUTOSOMAL DOMINANT 1, WITH OR WITHOUT THROMBOCYTOPENIA. Identifiers: Orphanet 90635, MedGen C1852282, MONDO:0007424, OMIM 124900.
Progressive microcephaly-seizures-cortical blindness-developmental delay syndrome. Also called: Seizures, cortical blindness, and microcephaly syndrome. Identifiers: Orphanet 477814, MedGen C5567650, MONDO:0014714, OMIM 616632.

Submission:

Labcorp Genetics (formerly Invitae), Labcorp
Classification: Uncertain significance for Progressive microcephaly-seizures-cortical blindness-developmental delay syndrome; Autosomal dominant nonsyndromic hearing loss 1. Last evaluated: 2024-11-12. Review status: criteria provided, single submitter. Criteria: Invitae Variant Classification Sherloc (09022015). Collection method: clinical testing. Allele origin: germline.
Comment: This sequence change replaces proline, which is neutral and non-polar, with threonine, which is neutral and polar, at codon 630 of the DIAPH1 protein (p.Pro630Thr). This variant is not present in population databases (gnomAD no frequency). This variant has not been reported in the literature in individuals affected with DIAPH1-related conditions. An algorithm developed to predict the effect of missense changes on protein structure and function outputs the following: PolyPhen-2: "Not Available". The threonine amino acid residue is found in multiple mammalian species, which suggests that this missense change does not adversely affect protein function. In summary, the available evidence is currently insufficient to determine the role of this variant in disease. Therefore, it has been classified as a Variant of Uncertain Significance.

NM_005219.5(DIAPH1):c.1888C>A (p.Pro630Thr)

Gene: DIAPH1 (diaphanous related formin 1; minus strand). Cytogenetic location: 5q31.3.
Variant type: single nucleotide variant.
Coding change: c.1888C>A on transcript NM_005219.5 (MANE Select); coding-DNA position 1888, C replaced by A.
Protein change: p.Pro630Thr; replaces proline 630 with threonine.
Molecular consequence: missense variant.
Genome position (GRCh38, 1-based): chr5:141,573,962, G>T on the plus strand (C>A on the coding strand, the complement: DIAPH1 is on the minus strand). VCF-style: chr5-141573962-G-T. GRCh37 (hg19) VCF-style: chr5-140953529-G-T.
Other names: c.1861C>A, p.Pro621Thr (NM_001079812.3); c.1888C>A, p.Pro630Thr (NM_001314007.2); short protein forms P621T, P630T.
Identifiers: ClinVar variation 3759769 (VCV003759769.2).
Genomic context (GRCh38, chr5:141,573,962, plus strand): 5'-TAGCATCCCCAGACAAAGGAGGGGGTGGAGAGATAGCAGTACCTCCAGGTAAAGAAGGGG[G>T]TGAGGAGATGCAAACACCCCCAGGCAAAGGAGGTGGAGGAGGAGGAGGAGGAGGAGGAGG-3'
Protein context (NP_005210.3, residues 620-640): PLPGGVCISS[Pro630Thr]PSLPGGTAIS